The following is an entry in ClinVar:

NM_003467.3(CXCR4):c.586G>A (p.Val196Met)

Gene: CXCR4 (C-X-C motif chemokine receptor 4; minus strand). Cytogenetic location: 2q22.1.
Variant type: single nucleotide variant.
Coding change: c.586G>A on transcript NM_003467.3 (MANE Select); coding-DNA position 586, G replaced by A.
Protein change: p.Val196Met; replaces valine 196 with methionine.
Molecular consequence: missense variant.
Genome position (GRCh38, 1-based): chr2:136,115,342, C>T on the plus strand (G>A on the coding strand, the complement: CXCR4 is on the minus strand). VCF-style: chr2-136115342-C-T. GRCh37 (hg19) VCF-style: chr2-136872912-C-T.
Other names: c.598G>A, p.Val200Met (NM_001008540.2); c.799G>A, p.Val267Met (NM_001348056.2); c.685G>A, p.Val229Met (NM_001348059.2); c.541G>A, p.Val181Met (NM_001348060.2); short protein forms V181M, V196M, V200M, V229M, V267M.
Identifiers: ClinVar variation 1024744 (VCV001024744.10), dbSNP rs748098105, ClinGen allele CA1890100.

ClinVar aggregate classification (germline): Conflicting classifications of pathogenicity. Review status: criteria provided, conflicting classifications (1 of 4 stars). 2 submissions from 2 submitters: Uncertain significance (1); Likely benign (1). Last evaluated 2024-08-31.

Conditions:
Warts, hypogammaglobulinemia, infections, and myelokathexis. Also called: WHIM syndrome. Identifiers: MedGen C0472817, MONDO:0023880.

Allele frequency attached by ClinVar (database versions not stated): TOPMed below 0.00001; ExAC 0.00001; gnomAD exomes 0.00001.
gnomAD v4.1: 19 of 1,614,162 alleles (0.0012%); highest among the groups gnomAD compares: Non-Finnish European, 0.0014%; no homozygotes.

Submissions (2):

Labcorp Genetics (formerly Invitae), Labcorp
Classification: Uncertain significance for Warts, hypogammaglobulinemia, infections, and myelokathexis. Last evaluated: 2024-08-31. Review status: criteria provided, single submitter. Criteria: Invitae Variant Classification Sherloc (09022015). Collection method: clinical testing. Allele origin: germline.
Comment: This sequence change replaces valine, which is neutral and non-polar, with methionine, which is neutral and non-polar, at codon 196 of the CXCR4 protein (p.Val196Met). This variant is present in population databases (rs748098105, gnomAD 0.003%). This variant has not been reported in the literature in individuals affected with CXCR4-related conditions. ClinVar contains an entry for this variant (Variation ID: 1024744). An algorithm developed to predict the effect of missense changes on protein structure and function outputs the following: PolyPhen-2: "Benign". The methionine amino acid residue is found in multiple mammalian species, which suggests that this missense change does not adversely affect protein function. In summary, the available evidence is currently insufficient to determine the role of this variant in disease. Therefore, it has been classified as a Variant of Uncertain Significance.

Blueprint Genetics
Classification: Likely benign. Last evaluated: 2023-05-31. Review status: criteria provided, single submitter. Criteria: ACMG Guidelines, 2015. Collection method: clinical testing. Allele origin: germline.